The following is an entry in ClinVar:

ClinVar aggregate classification (germline): Uncertain significance (1 of 4 stars; one submission).

Conditions:
Inborn genetic diseases. Identifiers: MedGen C0950123, MeSH D030342.

Submission:

Ambry Genetics
Classification: Uncertain significance for Inborn genetic diseases. Last evaluated: 2025-03-15. Review status: criteria provided, single submitter. Criteria: Ambry Variant Classification Scheme 2023. Collection method: clinical testing. Allele origin: germline.
Comment: The p.D758E variant (also known as c.2274C>A), located in coding exon 21 of the ANKRD26 gene, results from a C to A substitution at nucleotide position 2274. The aspartic acid at codon 758 is replaced by glutamic acid, an amino acid with highly similar properties. This amino acid position is conserved. In addition, this alteration is predicted to be tolerated by in silico analysis. Based on the available evidence, the clinical significance of this variant remains unclear.

NM_014915.3(ANKRD26):c.2274C>A (p.Asp758Glu)

Gene: ANKRD26 (ankyrin repeat domain containing 26; minus strand). Cytogenetic location: 10p12.1.
Variant type: single nucleotide variant.
Coding change: c.2274C>A on transcript NM_014915.3 (MANE Select); coding-DNA position 2274, C replaced by A.
Protein change: p.Asp758Glu; replaces aspartic acid 758 with glutamic acid.
Molecular consequence: missense variant.
Genome position (GRCh38, 1-based): chr10:27,040,066, G>T on the plus strand (C>A on the coding strand, the complement: ANKRD26 is on the minus strand). VCF-style: chr10-27040066-G-T. GRCh37 (hg19) VCF-style: chr10-27328995-G-T.
Other names: c.2271C>A, p.Asp757Glu (NM_001256053.2); short protein forms D757E, D758E.
Identifiers: ClinVar variation 3912852 (VCV003912852.1).
Genomic context (GRCh38, chr10:27,040,066, plus strand): 5'-CTCTAACTGTGATTTTATTTCTTTTGTTTCAGATAGCTCCCTTTGTAGTACATTAACCTT[G>T]TCTTCCATTTTTTTAATTTTTACTGTAAGTAGTTCACAGTGATTTTTTTTAAGTTCTAAT-3'
Protein context (NP_055730.2, residues 748-768): LLTVKIKKME[Asp758Glu]KVNVLQRELS